The following is an entry in ClinVar:

NM_001029883.3(PCARE):c.3032_3046dup (p.Ser1015_Tyr1016insCysLeuProSerSer)

Gene: PCARE (photoreceptor cilium actin regulator; minus strand). Cytogenetic location: 2p23.2.
Variant type: Duplication.
Coding change: c.3032_3046dup on transcript NM_001029883.3 (MANE Select); coding-DNA positions 3032 to 3046, 15 bases duplicated (GCCTTCCCTCCTCTT).
Protein change: p.Ser1015_Tyr1016insCysLeuProSerSer.
Molecular consequence: inframe insertion.
Genome position (GRCh38, 1-based): chr2:29,071,216-29,071,230, AAGAGGAGGGAAGGC duplicated on the plus strand (GCCTTCCCTCCTCTT on the coding strand, the reverse complement: PCARE is on the minus strand). VCF-style (leftmost placement, unchanged base first): chr2-29071215-T-TAAGAGGAGGGAAGGC. GRCh37 (hg19) VCF-style: chr2-29294081-T-TAAGAGGAGGGAAGGC.
Identifiers: ClinVar variation 597523 (VCV000597523.10), dbSNP rs1293436955, ClinGen allele CA531766656.

ClinVar aggregate classification (germline): Uncertain significance. Review status: criteria provided, multiple submitters, no conflicts (2 of 4 stars). 3 submissions from 3 submitters: Uncertain significance (3). Last evaluated 2023-07-10.

Allele frequency attached by ClinVar (database versions not stated): gnomAD exomes 0.00001; gnomAD 0.00008 and 0.00011.

Submissions (3):

Labcorp Genetics (formerly Invitae), Labcorp
Classification: Uncertain significance. Last evaluated: 2023-07-10. Review status: criteria provided, single submitter. Criteria: Invitae Variant Classification Sherloc (09022015). Collection method: clinical testing. Allele origin: germline.
Comment: This variant, c.3032_3046dup, results in the insertion of 5 amino acid(s) of the PCARE protein (p.Ser1015_Tyr1016insCysLeuProSerSer), but otherwise preserves the integrity of the reading frame. This variant is present in population databases (no rsID available, gnomAD 0.02%). This variant has not been reported in the literature in individuals affected with PCARE-related conditions. ClinVar contains an entry for this variant (Variation ID: 597523). Experimental studies and prediction algorithms are not available or were not evaluated, and the functional significance of this variant is currently unknown. In summary, the available evidence is currently insufficient to determine the role of this variant in disease. Therefore, it has been classified as a Variant of Uncertain Significance.

Blueprint Genetics
Classification: Uncertain significance. Last evaluated: 2021-12-21. Review status: criteria provided, single submitter. Criteria: ACMG Guidelines, 2015. Collection method: clinical testing. Allele origin: germline.

Eurofins Ntd Llc (ga)
Classification: Uncertain significance. Last evaluated: 2018-06-19. Review status: criteria provided, single submitter. Criteria: EGL ClinVar v180209 classification definitions. Collection method: clinical testing. Allele origin: germline. Observed: 1 variant allele, 1 heterozygote.